The following is an entry in ClinVar:

ClinVar aggregate classification (germline): Uncertain significance. Review status: criteria provided, multiple submitters, no conflicts (2 of 4 stars). 2 submissions from 2 submitters: Uncertain significance (2). Last evaluated 2023-07-21.

Conditions:
Inborn genetic diseases. Identifiers: MedGen C0950123, MeSH D030342.

Allele frequency attached by ClinVar (database versions not stated): gnomAD exomes below 0.00001.
gnomAD v4.1: 1 of 1,610,354 alleles (0.000062%); highest among the groups gnomAD compares: South Asian, 0.0011%; no homozygotes.

Submissions (2):

Ambry Genetics
Classification: Uncertain significance for Inborn genetic diseases. Last evaluated: 2023-07-21. Review status: criteria provided, single submitter. Criteria: Ambry Variant Classification Scheme 2023. Collection method: clinical testing. Allele origin: germline.
Comment: The p.I29N variant (also known as c.86T>A), located in coding exon 2 of the CDH2 gene, results from a T to A substitution at nucleotide position 86. The isoleucine at codon 29 is replaced by asparagine, an amino acid with dissimilar properties. This amino acid position is conserved. In addition, this alteration is predicted to be tolerated by in silico analysis. Since supporting evidence is limited at this time, the clinical significance of this alteration remains unclear.

Labcorp Genetics (formerly Invitae), Labcorp
Classification: Uncertain significance. Last evaluated: 2022-02-19. Review status: criteria provided, single submitter. Criteria: Invitae Variant Classification Sherloc (09022015). Collection method: clinical testing. Allele origin: germline.
Comment: Algorithms developed to predict the effect of missense changes on protein structure and function (SIFT, PolyPhen-2, Align-GVGD) all suggest that this variant is likely to be tolerated. This variant has not been reported in the literature in individuals affected with CDH2-related conditions. This variant is present in population databases (no rsID available, gnomAD 0.003%). This sequence change replaces isoleucine, which is neutral and non-polar, with asparagine, which is neutral and polar, at codon 29 of the CDH2 protein (p.Ile29Asn). In summary, the available evidence is currently insufficient to determine the role of this variant in disease. Therefore, it has been classified as a Variant of Uncertain Significance.

NM_001792.5(CDH2):c.86T>A (p.Ile29Asn)

Gene: CDH2 (cadherin 2; minus strand). Cytogenetic location: 18q12.1.
Variant type: single nucleotide variant.
Coding change: c.86T>A on transcript NM_001792.5 (MANE Select); coding-DNA position 86, T replaced by A.
Protein change: p.Ile29Asn; replaces isoleucine 29 with asparagine.
Molecular consequence: missense variant.
Genome position (GRCh38, 1-based): chr18:28,147,759, A>T on the plus strand (T>A on the coding strand, the complement: CDH2 is on the minus strand). VCF-style: chr18-28147759-A-T. GRCh37 (hg19) VCF-style: chr18-25727723-A-T.
Other names: c.86T>A (NM_001792.3); short protein forms I29N.
Identifiers: ClinVar variation 2099719 (VCV002099719.6), dbSNP rs1372513645, ClinGen allele CA402244697.